The following is an entry in ClinVar:

NM_133642.5(LARGE1):c.2228G>A (p.Gly743Asp)

Gene: LARGE1 (LARGE xylosyl- and glucuronyltransferase 1; minus strand). Cytogenetic location: 22q12.3.
Variant type: single nucleotide variant.
Coding change: c.2228G>A on transcript NM_133642.5 (MANE Select); coding-DNA position 2228, G replaced by A.
Protein change: p.Gly743Asp; replaces glycine 743 with aspartic acid.
Molecular consequence: missense variant.
Genome position (GRCh38, 1-based): chr22:33,274,470, C>T on the plus strand (G>A on the coding strand, the complement: LARGE1 is on the minus strand). VCF-style: chr22-33274470-C-T. GRCh37 (hg19) VCF-style: chr22-33670456-C-T.
Other names: c.2228G>A, p.Gly743Asp (NM_001362949.2, NM_001362951.2, NM_001362953.2 and 4 more transcripts); c.2081G>A, p.Gly694Asp (NM_001378627.1, NM_001378628.1); c.2072G>A, p.Gly691Asp (NM_001378629.1); c.1625G>A, p.Gly542Asp (NM_001378630.1); c.1322G>A, p.Gly441Asp (NM_001378631.1); short protein forms G542D, G691D, G694D, G743D, G441D.
Identifiers: ClinVar variation 1029891 (VCV001029891.6), dbSNP rs746916767, ClinGen allele CA323707806.

ClinVar aggregate classification (germline): Uncertain significance. Review status: criteria provided, multiple submitters, no conflicts (2 of 4 stars). 4 submissions from 4 submitters: Uncertain significance (4). Last evaluated 2025-04-06.

Conditions:
Muscular dystrophy-dystroglycanopathy (congenital with brain and eye anomalies), type A6. Also called: WALKER-WARBURG SYNDROME OR MUSCLE-EYE-BRAIN DISEASE, LARGE-RELATED; MUSCULAR DYSTROPHY-DYSTROGLYCANOPATHY (CONGENITAL WITH BRAIN AND EYE ANOMALIES), TYPE A, 6. Identifiers: Orphanet 588, Orphanet 899, MedGen C3150414, MONDO:0013158, OMIM 613154.

Allele frequency attached by ClinVar (database versions not stated): gnomAD exomes below 0.00001 and 0.00001; TOPMed below 0.00001.
gnomAD v4.1: 2 of 1,614,202 alleles (0.00012%); highest among the groups gnomAD compares: Admixed American, 0.0033%; no homozygotes.

Submissions (4):

GeneDx
Classification: Uncertain significance. Last evaluated: 2025-04-06. Review status: criteria provided, single submitter. Criteria: GeneDx Variant Classification Process June 2021. Collection method: clinical testing. Allele origin: germline. Affected: yes.
Comment: Not observed at significant frequency in large population cohorts (gnomAD); In silico analysis supports that this missense variant has a deleterious effect on protein structure/function; Has not been previously published as pathogenic or benign to our knowledge

Baylor Genetics
Classification: Uncertain significance for Muscular dystrophy-dystroglycanopathy (congenital with brain and eye anomalies), type A6. Last evaluated: 2019-09-16. Review status: criteria provided, single submitter. Criteria: ACMG Guidelines, 2015. Collection method: clinical testing. Allele origin: unknown. Affected: yes.
Comment: This variant was determined to be of uncertain significance according to ACMG Guidelines, 2015 [PMID:25741868].

Revvity Omics, Revvity
Classification: Uncertain significance. Last evaluated: 2019-08-27. Review status: criteria provided, single submitter. Criteria: ACMG Guidelines, 2015. Collection method: clinical testing. Allele origin: germline.

Daryl Scott Lab, Baylor College of Medicine
Classification: Uncertain significance for Muscular dystrophy-dystroglycanopathy (congenital with brain and eye anomalies), type A6. Review status: criteria provided, single submitter. Criteria: ACMG Guidelines, 2015. Collection method: clinical testing. Allele origin: biparental. Affected: yes.
Comment: PM2, PP3